The following is an entry in ClinVar:

ClinVar aggregate classification (germline): Uncertain significance (1 of 4 stars; one submission).

Conditions:
FGFR3-related chondrodysplasia. Identifiers: Orphanet 93420, MedGen C5681604, MONDO:0019685.

Submission:

Genomenon, Inc
Classification: Uncertain significance for FGFR3-related chondrodysplasia. Last evaluated: 2026-06-23. Review status: criteria provided, single submitter. Criteria: Genomenon Sequence Variant Interpretation Standards - Updated. Collection method: curation. Allele origin: germline. Affected: no.
Comment: FGFR3 p.Leu267Met (c.799C>A) is a missense variant that changes the amino acid at codon 267 from Leucine to Methionine. This variant has been reported in the published literature (PMID:41062690). It is absent or not present at a significant frequency in gnomAD. In silico models predict that this variant is not damaging. In conclusion, we classify FGFR3 p.Leu267Met (c.799C>A) as a variant of uncertain significance.

Literature cited by the submitters: PubMed 41062690.

NM_000142.5(FGFR3):c.799C>A (p.Leu267Met)

Gene: FGFR3 (fibroblast growth factor receptor 3; plus strand). Cytogenetic location: 4p16.3.
Variant type: single nucleotide variant.
Coding change: c.799C>A on transcript NM_000142.5 (MANE Select); coding-DNA position 799, C replaced by A.
Protein change: p.Leu267Met; replaces leucine 267 with methionine.
Molecular consequence: missense variant. On other transcripts: non-coding transcript variant (1).
Genome position (GRCh38, 1-based): chr4:1,801,894, C>A. VCF-style: chr4-1801894-C-A. GRCh37 (hg19) VCF-style: chr4-1803621-C-A.
Other names: c.799C>A, p.Leu267Met (NM_022965.4, NM_001163213.2, NM_001354809.2 and 1 more transcripts); short protein forms L267M.
Identifiers: ClinVar variation 4857830 (VCV004857830.1).